The following is an entry in ClinVar:

NM_002435.3(MPI):c.1202A>G (p.Asn401Ser)

Gene: MPI (mannose phosphate isomerase; plus strand). Cytogenetic location: 15q24.1.
Variant type: single nucleotide variant.
Coding change: c.1202A>G on transcript NM_002435.3 (MANE Select); coding-DNA position 1202, A replaced by G.
Protein change: p.Asn401Ser; replaces asparagine 401 with serine.
Molecular consequence: missense variant. On other transcripts: 3 prime UTR variant (1).
Genome position (GRCh38, 1-based): chr15:74,897,660, A>G. VCF-style: chr15-74897660-A-G. GRCh37 (hg19) VCF-style: chr15-75190001-A-G.
Other names: c.*129A>G (NM_001289155.2); c.1052A>G, p.Asn351Ser (NM_001289156.2); c.1019A>G, p.Asn340Ser (NM_001289157.2); c.1142A>G, p.Asn381Ser (NM_001330372.2); c.1202A>G (NM_002435.2); short protein forms N351S, N401S, N340S, N381S.
Identifiers: ClinVar variation 2519332 (VCV002519332.3), dbSNP rs201263032, ClinGen allele CA7662667.

ClinVar aggregate classification (germline): Uncertain significance. Review status: criteria provided, multiple submitters, no conflicts (2 of 4 stars). 2 submissions from 2 submitters: Uncertain significance (2). Last evaluated 2026-03-22.

Conditions:
MPI-related disorder. Also called: MPI-related condition.
Inborn genetic diseases. Identifiers: MedGen C0950123, MeSH D030342.

Allele frequency attached by ClinVar (database versions not stated): TOPMed below 0.00001; gnomAD 0.00001; ExAC 0.00002; gnomAD exomes 0.00003; 1000 Genomes Project 30x 0.00016; 1000 Genomes Project 0.00020.

Submissions (2):

PreventionGenetics, part of Exact Sciences
Classification: Uncertain significance for MPI-related condition. Last evaluated: 2026-03-22. Review status: criteria provided, single submitter. Criteria: ACMG Guidelines, 2015. Collection method: clinical testing. Allele origin: germline.
Comment: The MPI c.1202A>G variant is predicted to result in the amino acid substitution p.Asn401Ser. To our knowledge, this variant has not been reported in the literature. This variant is reported in 0.0054% of alleles in individuals of East Asian descent in gnomAD. At this time, the clinical significance of this variant is uncertain due to the absence of conclusive functional and genetic evidence.

Ambry Genetics
Classification: Uncertain significance for Inborn genetic diseases. Last evaluated: 2023-05-17. Review status: criteria provided, single submitter. Criteria: Ambry Variant Classification Scheme 2023. Collection method: clinical testing. Allele origin: germline.